The following is an entry in ClinVar:

NM_017990.5(PDPR):c.2428C>T (p.Arg810Cys)

Genes: PDPR (pyruvate dehydrogenase phosphatase regulatory subunit; plus strand), LOC400541 (uncharacterized LOC400541; minus strand). Cytogenetic location: 16q22.1.
Variant type: single nucleotide variant.
Coding change: c.2428C>T on transcript NM_017990.5 (MANE Select); coding-DNA position 2428, C replaced by T.
Protein change: p.Arg810Cys; replaces arginine 810 with cysteine.
Molecular consequence: missense variant.
Genome position (GRCh38, 1-based): chr16:70,156,667, C>T. VCF-style: chr16-70156667-C-T. GRCh37 (hg19) VCF-style: chr16-70190570-C-T.
Other names: c.2428C>T, p.Arg810Cys (NM_001322117.1); c.2128C>T, p.Arg710Cys (NM_001322118.1); c.1222C>T, p.Arg408Cys (NM_001322119.1); short protein forms R408C, R710C, R810C.
Identifiers: ClinVar variation 3041794 (VCV003041794.19), dbSNP rs141395281, ClinGen allele CA8139756.

ClinVar aggregate classification (germline): Likely benign. Review status: criteria provided, single submitter (1 of 4 stars). 2 submissions from 2 submitters: Likely benign (1). 1 of the submissions does not count toward it. Last evaluated 2024-06-01.

Conditions:
PDPR-related disorder. Also called: PDPR-related condition.

Allele frequency attached by ClinVar (database versions not stated): 1000 Genomes Project 0.00419; 1000 Genomes Project 30x 0.00468; gnomAD exomes 0.00482; gnomAD 0.00528; ESP Exome Variant Server 0.00562; ExAC 0.00612.
gnomAD v4.1: 7,988 of 1,610,076 alleles (0.5%); highest among the groups gnomAD compares: Middle Eastern, 2.2%; 2 homozygotes.

Submissions (2):

CeGaT Center for Human Genetics Tuebingen
Classification: Likely benign. Last evaluated: 2024-06-01. Review status: criteria provided, single submitter. Criteria: CeGaT Center For Human Genetics Tuebingen Variant Classification Criteria Version 2. Collection method: clinical testing. Allele origin: germline. Affected: yes. Observed: 1 variant allele.
Comment: PDPR: BS1

PreventionGenetics, part of Exact Sciences
Classification: Likely benign for PDPR-related condition. Last evaluated: 2023-02-16. Review status: no assertion criteria provided. Collection method: clinical testing. Allele origin: germline. Not counted in ClinVar's aggregate classification.
Comment: This variant is classified as likely benign based on ACMG/AMP sequence variant interpretation guidelines (Richards et al. 2015 PMID: 25741868, with internal and published modifications).